The following is an entry in ClinVar:

NM_000257.4(MYH7):c.1462T>A (p.Phe488Ile)

Gene: MYH7 (myosin heavy chain 7; minus strand). Cytogenetic location: 14q11.2.
Variant type: single nucleotide variant.
Coding change: c.1462T>A on transcript NM_000257.4 (MANE Select); coding-DNA position 1462, T replaced by A.
Protein change: p.Phe488Ile; replaces phenylalanine 488 with isoleucine.
Molecular consequence: missense variant.
Genome position (GRCh38, 1-based): chr14:23,428,616, A>T on the plus strand (T>A on the coding strand, the complement: MYH7 is on the minus strand). VCF-style: chr14-23428616-A-T. GRCh37 (hg19) VCF-style: chr14-23897825-A-T.
Other names: p.F488I:TTC>ATC; c.1462T>A (LRG_384t1); short protein forms F488I.
Identifiers: ClinVar variation 181348 (VCV000181348.4), dbSNP rs730880874, ClinGen allele CA010786.

ClinVar aggregate classification (germline): Uncertain significance. Review status: criteria provided, multiple submitters, no conflicts (2 of 4 stars). 2 submissions from 2 submitters: Uncertain significance (2). Last evaluated 2020-10-30.

Conditions:
Cardiovascular phenotype. Identifiers: MedGen CN230736.

Submissions (2):

Ambry Genetics
Classification: Uncertain significance for Cardiovascular phenotype. Last evaluated: 2020-10-30. Review status: criteria provided, single submitter. Criteria: Ambry Variant Classification Scheme 2023. Collection method: clinical testing. Allele origin: germline.
Comment: The p.F488I variant (also known as c.1462T>A), located in coding exon 13 of the MYH7 gene, results from a T to A substitution at nucleotide position 1462. The phenylalanine at codon 488 is replaced by isoleucine, an amino acid with highly similar properties, and is located in the myosin head domain. This amino acid position is highly conserved in available vertebrate species. In addition, this alteration is predicted to be deleterious by in silico analysis. Since supporting evidence is limited at this time, the clinical significance of this alteration remains unclear.

GeneDx
Classification: Uncertain significance. Last evaluated: 2014-03-30. Review status: criteria provided, single submitter. Criteria: GeneDx Variant Classification (06012015). Collection method: clinical testing. Allele origin: germline. Affected: yes.
Comment: p.Phe488Ile (TTC>ATC): c.1462 T>A in exon 15 of the MYH7 gene (NM_000257.2). A variant of unknown significance has been identified in the MYH7 gene. The F488I variant has not been published as a mutation or as a benign polymorphism to our knowledge. The F488I variant is a conservative amino acid substitution, which is not likely to impact secondary protein structure as these residues share similar properties. In silico analysis is inconsistent in its predictions as to whether or not the variant is damaging to the protein structure/function. The F488I variant was not observed in approximately 6,500 individuals of European and African American ancestry in the NHLBI Exome Sequencing Project, indicating it is not a common benign variant in these populations. This substitution occurs at a position that is conserved across species. Missense mutations in nearby residues (N479S, N479T, E483K, F489I, M493V, M493L, M493I, E497D) have been reported in association with cardiomyopathy, supporting the functional importance of this region of the protein. Therefore, based on the currently available information, it is unclear whether this variant is a pathogenic mutation or a rare benign variant. The variant is found in HCM panel(s).